The following is an entry in ClinVar:

ClinVar aggregate classification (germline): Uncertain significance. Review status: criteria provided, multiple submitters, no conflicts (2 of 4 stars). 2 submissions from 2 submitters: Uncertain significance (2). Last evaluated 2025-04-01.

Conditions:
Inborn genetic diseases. Identifiers: MedGen C0950123, MeSH D030342.

Allele frequency attached by ClinVar (database versions not stated): gnomAD exomes 0.00002; ExAC 0.00003; TOPMed 0.00006; ESP Exome Variant Server 0.00008; gnomAD 0.00002.

Submissions (2):

Ambry Genetics
Classification: Uncertain significance for Inborn genetic diseases. Last evaluated: 2025-04-01. Review status: criteria provided, single submitter. Criteria: Ambry Variant Classification Scheme 2023. Collection method: clinical testing. Allele origin: germline.

Labcorp Genetics (formerly Invitae), Labcorp
Classification: Uncertain significance. Last evaluated: 2022-07-12. Review status: criteria provided, single submitter. Criteria: Invitae Variant Classification Sherloc (09022015). Collection method: clinical testing. Allele origin: germline.
Comment: This sequence change replaces arginine, which is basic and polar, with tryptophan, which is neutral and slightly polar, at codon 131 of the CDT1 protein (p.Arg131Trp). This variant is present in population databases (rs377742778, gnomAD 0.01%). This variant has not been reported in the literature in individuals affected with CDT1-related conditions. ClinVar contains an entry for this variant (Variation ID: 1466477). Algorithms developed to predict the effect of missense changes on protein structure and function are either unavailable or do not agree on the potential impact of this missense change (SIFT: "Deleterious"; PolyPhen-2: "Benign"; Align-GVGD: "Class C0"). In summary, the available evidence is currently insufficient to determine the role of this variant in disease. Therefore, it has been classified as a Variant of Uncertain Significance.

NM_030928.4(CDT1):c.391C>T (p.Arg131Trp)

Gene: CDT1 (chromatin licensing and DNA replication factor 1; plus strand). Cytogenetic location: 16q24.3.
Variant type: single nucleotide variant.
Coding change: c.391C>T on transcript NM_030928.4 (MANE Select); coding-DNA position 391, C replaced by T.
Protein change: p.Arg131Trp; replaces arginine 131 with tryptophan.
Molecular consequence: missense variant.
Genome position (GRCh38, 1-based): chr16:88,804,801, C>T. VCF-style: chr16-88804801-C-T. GRCh37 (hg19) VCF-style: chr16-88871209-C-T.
Other names: c.391C>T (NM_030928.3); short protein forms R131W.
Identifiers: ClinVar variation 1466477 (VCV001466477.4), dbSNP rs377742778, ClinGen allele CA8233625.
Genomic context (GRCh38, chr16:88,804,801, plus strand): 5'-TGTCCCCTGATCCCCCTGAAGGACACCATCTCTGAGCTTGCGTCATGCCTGCAACGGGCC[C>T]GGGAGCTGGGGGCAAGAGTCCGGGCGCTGAAGGCCAGTGCCCAGGATGCTGGGGAGTCCT-3'
Protein context (NP_112190.2, residues 121-141): SELASCLQRA[Arg131Trp]ELGARVRALK